The following is an entry in ClinVar:

NM_203447.4(DOCK8):c.4154-68T>A

Gene: DOCK8 (dedicator of cytokinesis 8; plus strand). Cytogenetic location: 9p24.3.
Variant type: single nucleotide variant.
Coding change: c.4154-68T>A on transcript NM_203447.4 (MANE Select); 68 bases into the intron before coding-DNA position 4154, T replaced by A.
Molecular consequence: intron variant.
Genome position (GRCh38, 1-based): chr9:421,980, T>A. VCF-style: chr9-421980-T-A. GRCh37 (hg19) VCF-style: chr9-421980-T-A.
Other names: c.3950-68T>A (NM_001193536.2); c.3854-68T>A (NM_001190458.2).
Identifiers: ClinVar variation 1185297 (VCV001185297.7), dbSNP rs2297081, ClinGen allele CA13080083.

ClinVar aggregate classification (germline): Benign. Review status: criteria provided, multiple submitters, no conflicts (2 of 4 stars). 4 submissions from 4 submitters: Benign (4). Last evaluated 2024-01-24.

Conditions:
Combined immunodeficiency due to DOCK8 deficiency (HIES2). Also called: Hyper-IgE recurrent infection syndrome, autosomal recessive; HYPER-IgE SYNDROME 2, AUTOSOMAL RECESSIVE, WITH RECURRENT INFECTIONS; HIES autosomal recessive; HYPER-IgE RECURRENT INFECTION SYNDROME 2, AUTOSOMAL RECESSIVE; DOCK8 Deficiency. Identifiers: Orphanet 217390, MedGen C4722305, MONDO:0009478, OMIM 243700.

Allele frequency attached by ClinVar (database versions not stated): 1000 Genomes Project 30x 0.39428; 1000 Genomes Project 0.39457; TOPMed 0.42541; gnomAD 0.43281 and 0.43293; gnomAD exomes 0.51965.
gnomAD v4.1: 694,685 of 1,363,666 alleles (51%); highest among the groups gnomAD compares: Non-Finnish European, 56%; 182,764 homozygotes.

Submissions (4):

Unidad de Genómica Garrahan, Hospital de Pediatría Garrahan
Classification: Benign. Last evaluated: 2024-01-24. Review status: criteria provided, single submitter. Criteria: ACMG Guidelines, 2015. Collection method: clinical testing. Allele origin: germline. Affected: no. Observed: 60 variant alleles.
Comment: This variant is classified as Benign based on local population frequency. This variant was detected in 63% of patients studied by a panel of primary immunodeficiencies. Number of patients: 60. Only high quality variants are reported.

Genome-Nilou Lab
Classification: Benign for Combined immunodeficiency due to DOCK8 deficiency. Last evaluated: 2021-07-14. Review status: criteria provided, single submitter. Criteria: ACMG Guidelines, 2015. Collection method: clinical testing. Allele origin: germline. Affected: no.

GeneDx
Classification: Benign. Last evaluated: 2018-06-26. Review status: criteria provided, single submitter. Criteria: GeneDx Variant Classification Process June 2021. Collection method: clinical testing. Allele origin: germline. Affected: yes.

Breakthrough Genomics
Classification: Benign. Review status: criteria provided, single submitter. Criteria: ACMG Guidelines, 2015. Collection method: not provided. Allele origin: germline. Inheritance: Autosomal recessive inheritance. Affected: yes.